The following is an entry in ClinVar:

ClinVar aggregate classification (germline): Conflicting classifications of pathogenicity. Review status: criteria provided, conflicting classifications (1 of 4 stars). 3 submissions from 3 submitters: Uncertain significance (1); Likely benign (2). Last evaluated 2025-12-14.

Conditions:
Cardiovascular phenotype. Identifiers: MedGen CN230736.
Catecholaminergic polymorphic ventricular tachycardia (CVPT). Also called: Catecholamine-induced polymorphic ventricular tachycardia. Identifiers: Orphanet 3286, MedGen C5574922, MONDO:0017990.
Catecholaminergic polymorphic ventricular tachycardia 1. Also called: VENTRICULAR TACHYCARDIA, STRESS-INDUCED POLYMORPHIC 1; VENTRICULAR TACHYCARDIA, CATECHOLAMINERGIC POLYMORPHIC, 1, WITH OR WITHOUT ATRIAL DYSFUNCTION AND/OR DILATED CARDIOMYOPATHY; RYR2-Related Catecholaminergic Polymorphic Ventricular Tachycardia. Identifiers: Orphanet 3286, MedGen C1631597, MONDO:0011484, OMIM 604772.

Allele frequency attached by ClinVar (database versions not stated): gnomAD 0.00001; gnomAD exomes 0.00001; TOPMed 0.00002.
gnomAD v4.1: 8 of 1,601,954 alleles (0.0005%); highest among the groups gnomAD compares: Admixed American, 0.0084%; no homozygotes.

Submissions (3):

Labcorp Genetics (formerly Invitae), Labcorp
Classification: Likely benign for Catecholaminergic polymorphic ventricular tachycardia 1. Last evaluated: 2025-12-14. Review status: criteria provided, single submitter. Criteria: Invitae Variant Classification Sherloc (09022015). Collection method: clinical testing. Allele origin: germline.

All of Us Research Program, National Institutes of Health
Classification: Likely benign for Catecholaminergic polymorphic ventricular tachycardia. Last evaluated: 2023-08-28. Review status: criteria provided, single submitter. Criteria: ACMG Guidelines, 2015. Collection method: clinical testing. Allele origin: germline. Inheritance: Autosomal dominant inheritance. Observed: 1 variant allele, 1 heterozygote.
Comment: This study involves interpretation of variants in research participants for the purpose of population health screening. Participant phenotype was not available at the time of variant classification. Additional details can be found in publication PMID: 35346344, PMCID: PMC8962531

Ambry Genetics
Classification: Uncertain significance for Cardiovascular phenotype. Last evaluated: 2020-06-15. Review status: criteria provided, single submitter. Criteria: Ambry Variant Classification Scheme 2023. Collection method: clinical testing. Allele origin: germline.
Comment: The c.13783-4G>A intronic variant results from a G to A substitution 4 nucleotides upstream from coding exon 95 in the RYR2 gene. This nucleotide position is not well conserved in available vertebrate species. Using the BDGP and ESEfinder splice site prediction tools, this alteration is not predicted to have any significant effect on this splice acceptor site; however, direct evidence is unavailable. Since supporting evidence is limited at this time, the clinical significance of this alteration remains unclear.

NM_001035.3(RYR2):c.13783-4G>A

Gene: RYR2 (ryanodine receptor 2; plus strand). Cytogenetic location: 1q43.
Variant type: single nucleotide variant.
Coding change: c.13783-4G>A on transcript NM_001035.3 (MANE Select); 4 bases into the intron before coding-DNA position 13783, G replaced by A.
Molecular consequence: intron variant.
Genome position (GRCh38, 1-based): chr1:237,793,863, G>A. VCF-style: chr1-237793863-G-A. GRCh37 (hg19) VCF-style: chr1-237957163-G-A.
Identifiers: ClinVar variation 1675025 (VCV001675025.12), dbSNP rs1364773484, ClinGen allele CA529564835.
Genomic context (GRCh38, chr1:237,793,863, plus strand): 5'-TAGTGACCACAAGATATGCCAGTAAATCTAAACTAATTTTAACGTATTTATTTTTCCTAT[G>A]TAGGTCCCATTGGTTATTTTTAAGCGAGAAAAGGAAGTGGCACGGAAATTGGAATTTGAT-3'